The following is an entry in ClinVar:

NM_022455.5(NSD1):c.4819_4820dup (p.Leu1608fs)

Gene: NSD1 (nuclear receptor binding SET domain protein 1; plus strand). Cytogenetic location: 5q35.3.
Variant type: Duplication.
Coding change: c.4819_4820dup on transcript NM_022455.5 (MANE Select); coding-DNA positions 4819 to 4820, 2 bases duplicated (CT; older notation c.4819_4820dupCT).
Protein change: p.Leu1608fs; shifts the reading frame from leucine 1608.
Molecular consequence: frameshift variant.
Genome position (GRCh38, 1-based): chr5:177,257,004-177,257,005, CT duplicated. VCF-style (leftmost placement, unchanged base first): chr5-177257003-C-CCT. GRCh37 (hg19) VCF-style: chr5-176684004-C-CCT.
Other names: c.4819_4820dupCT (NM_022455.4); c.3946_3947dup, p.Leu1317Phefs (NM_001365684.2, NM_001409308.1, NM_001409309.1 and 1 more transcripts); c.4819_4820dup, p.Leu1608Phefs (NM_001409301.1, NM_001409302.1, NM_001409303.1); c.4399_4400dup, p.Leu1468Phefs (NM_001409304.1); c.4066_4067dup, p.Leu1357Phefs (NM_001409305.1); c.4057_4058dup, p.Leu1354Phefs (NM_001409306.1, NM_001409307.1); short protein forms L1608fs, L1339fs.
Identifiers: ClinVar variation 423028 (VCV000423028.1), dbSNP rs1554199392, ClinGen allele CA16618176.

ClinVar aggregate classification (germline): Pathogenic (1 of 4 stars; one submission).

Submission:

GeneDx
Classification: Pathogenic. Last evaluated: 2017-01-16. Review status: criteria provided, single submitter. Criteria: GeneDx Variant Classification (06012015). Collection method: clinical testing. Allele origin: germline. Affected: yes.
Comment: The c.4819_4820dupCT pathogenic variant in the NSD1 gene causes a frameshift starting with codon Leucine 1608, changes this amino acid to a Phenylalanine residue and creates a premature Stop codon at position 35 of the new reading frame, denoted p.Leu1608PhefsX35. This pathogenic variant is predicted to cause loss of normal protein function either through protein truncation or nonsense-mediated mRNA decay. Additionally, the c.4819_4820dupCT variant is not observed in large population cohorts (Lek et al., 2016; 1000 Genomes Consortium et al., 2015; Exome Variant Server). Although this pathogenic variant has not been previously reported to our knowledge, the presence of c.4819_4820dupCT is consistent with a diagnosis of Sotos syndrome.